The following is an entry in ClinVar:

NM_005263.5(GFI1):c.499C>G (p.Leu167Val)

Gene: GFI1 (growth factor independent 1 transcriptional repressor; minus strand). Cytogenetic location: 1p22.1.
Variant type: single nucleotide variant.
Coding change: c.499C>G on transcript NM_005263.5 (MANE Select); coding-DNA position 499, C replaced by G.
Protein change: p.Leu167Val; replaces leucine 167 with valine.
Molecular consequence: missense variant.
Genome position (GRCh38, 1-based): chr1:92,480,888, G>C on the plus strand (C>G on the coding strand, the complement: GFI1 is on the minus strand). VCF-style: chr1-92480888-G-C. GRCh37 (hg19) VCF-style: chr1-92946445-G-C.
Other names: c.499C>G, p.Leu167Val (NM_001127215.3, NM_001127216.3); short protein forms L167V.
Identifiers: ClinVar variation 4827132 (VCV004827132.1).

ClinVar aggregate classification (germline): Uncertain significance (1 of 4 stars; one submission).

gnomAD v4.1: 18 of 1,538,076 alleles (0.0012%); highest among the groups gnomAD compares: Non-Finnish European, 0.0016%; no homozygotes.

Submission:

Ambry Genetics
Classification: Uncertain significance. Last evaluated: 2026-03-03. Review status: criteria provided, single submitter. Criteria: Ambry Variant Classification Scheme 2023. Collection method: clinical testing. Allele origin: germline.
Comment: The p.L167V variant (also known as c.499C>G), located in coding exon 3 of the GFI1 gene, results from a C to G substitution at nucleotide position 499. The leucine at codon 167 is replaced by valine, an amino acid with highly similar properties. This amino acid position is conserved. In addition, this alteration is predicted to be tolerated by in silico analysis. Based on the available evidence, the clinical significance of this variant remains unclear.